The following is an entry in ClinVar:

NM_001271.4(CHD2):c.4567C>T (p.Gln1523Ter)

Gene: CHD2 (chromodomain helicase DNA binding protein 2; plus strand). Cytogenetic location: 15q26.1.
Variant type: single nucleotide variant.
Coding change: c.4567C>T on transcript NM_001271.4 (MANE Select); coding-DNA position 4567, C replaced by T.
Protein change: p.Gln1523Ter; replaces glutamine 1523 with a stop codon.
Molecular consequence: nonsense.
Genome position (GRCh38, 1-based): chr15:93,009,298, C>T. VCF-style: chr15-93009298-C-T. GRCh37 (hg19) VCF-style: chr15-93552528-C-T.
Other names: short protein forms Q1523*.
Identifiers: ClinVar variation 981299 (VCV000981299.33), dbSNP rs372786805, ClinGen allele CA393904669.
Genomic context (GRCh38, chr15:93,009,298, plus strand): 5'-CGGAACTGCCTGCTGAAAATCGGAGACCGGATAGCCGAGTGCCTTAAAGCCTACTCAGAT[C>T]AGGAGCACATCAAACTCTGGAGGAGGTAACCACTTTGGCCTCGTCTGCCCAGTTTGATTT-3'

ClinVar aggregate classification (germline): Pathogenic. Review status: criteria provided, multiple submitters, no conflicts (2 of 4 stars). 3 submissions from 3 submitters: Pathogenic (3). Last evaluated 2024-11-05.

Conditions:
Intellectual disability. Also called: Intellectual developmental disorder; intellectual disabilities; Intellectual functioning disability. Identifiers: MedGen C3714756, MeSH D008607, MONDO:0001071, HP:0001249.

Submissions (3):

GeneDx
Classification: Pathogenic. Last evaluated: 2024-11-05. Review status: criteria provided, single submitter. Criteria: GeneDx Variant Classification Process June 2021. Collection method: clinical testing. Allele origin: germline. Affected: yes.
Comment: Nonsense variant predicted to result in protein truncation or nonsense mediated decay in a gene for which loss of function is a known mechanism of disease; Not observed at significant frequency in large population cohorts (gnomAD); Has not been previously published as pathogenic or benign to our knowledge

CeGaT Center for Human Genetics Tuebingen
Classification: Pathogenic. Last evaluated: 2022-05-01. Review status: criteria provided, single submitter. Criteria: CeGaT Center For Human Genetics Tuebingen Variant Classification Criteria Version 2. Collection method: clinical testing. Allele origin: germline. Affected: yes. Observed: 1 variant allele.
Comment: CHD2: PVS1, PS2, PM2

Diagnostic Laboratory, Strasbourg University Hospital
Classification: Pathogenic for Intellectual disability. Last evaluated: 2020-09-10. Review status: criteria provided, single submitter. Criteria: ACMG Guidelines, 2015. Collection method: clinical testing. Allele origin: de novo. Affected: yes. Observed: 1 heterozygote.